The following is an entry in ClinVar:

ClinVar aggregate classification (germline): Uncertain significance (1 of 4 stars; one submission).

gnomAD v4.1: 3 of 1,613,772 alleles (0.00019%); highest among the groups gnomAD compares: Non-Finnish European, 0.00025%; no homozygotes.

Submission:

Labcorp Genetics (formerly Invitae), Labcorp
Classification: Uncertain significance. Last evaluated: 2025-06-30. Review status: criteria provided, single submitter. Criteria: Invitae Variant Classification Sherloc (09022015). Collection method: clinical testing. Allele origin: germline.
Comment: This sequence change replaces glutamic acid, which is acidic and polar, with alanine, which is neutral and non-polar, at codon 149 of the MOCS2B protein (p.Glu149Ala). This variant is present in population databases (no rsID available, gnomAD 0.0009%). This variant has not been reported in the literature in individuals affected with MOCS2B-related conditions. An algorithm developed to predict the effect of missense changes on protein structure and function outputs the following: PolyPhen-2: "Benign". The alanine amino acid residue is found in multiple mammalian species, which suggests that this missense change does not adversely affect protein function. In summary, the available evidence is currently insufficient to determine the role of this variant in disease. Therefore, it has been classified as a Variant of Uncertain Significance.

NM_004531.5(MOCS2):c.446A>C (p.Glu149Ala)

Gene: MOCS2 (molybdenum cofactor synthesis 2; minus strand). Cytogenetic location: 5q11.2.
Variant type: single nucleotide variant.
Coding change: c.446A>C on transcript NM_004531.5 (MANE Select); coding-DNA position 446, A replaced by C.
Protein change: p.Glu149Ala; replaces glutamic acid 149 with alanine.
Molecular consequence: missense variant. On other transcripts: 3 prime UTR variant (1).
Genome position (GRCh38, 1-based): chr5:53,100,466, T>G on the plus strand (A>C on the coding strand, the complement: MOCS2 is on the minus strand). VCF-style: chr5-53100466-T-G. GRCh37 (hg19) VCF-style: chr5-52396296-T-G.
Other names: c.*366A>C (NM_176806.4); short protein forms E149A.
Identifiers: ClinVar variation 4803368 (VCV004803368.1).